The following is an entry in ClinVar:

ClinVar aggregate classification (germline): Uncertain significance (1 of 4 stars; one submission).

Conditions:
Hereditary cancer-predisposing syndrome. Also called: Neoplastic Syndromes, Hereditary; Tumor predisposition; Hereditary neoplastic syndrome; Hereditary Cancer Syndrome. Identifiers: Orphanet 140162, MedGen C0027672, MeSH D009386, MONDO:0015356.
Familial thoracic aortic aneurysm and aortic dissection (TAAD). Also called: Thoracic aortic aneurysms and dissections. Identifiers: Orphanet 91387, MedGen C4707243, MONDO:0019625.

Submission:

Ambry Genetics
Classification: Uncertain significance for Hereditary cancer-predisposing syndrome; Familial thoracic aortic aneurysm and aortic dissection. Last evaluated: 2023-09-04. Review status: criteria provided, single submitter. Criteria: Ambry Variant Classification Scheme 2023. Collection method: clinical testing. Allele origin: germline.
Comment: The p.H283P variant (also known as c.848A>C), located in coding exon 6 of the SMAD4 gene, results from an A to C substitution at nucleotide position 848. The histidine at codon 283 is replaced by proline, an amino acid with similar properties. This amino acid position is conserved. In addition, this alteration is predicted to be deleterious by in silico analysis. Since supporting evidence is limited at this time, the clinical significance of this alteration remains unclear.

NM_005359.6(SMAD4):c.848A>C (p.His283Pro)

Gene: SMAD4 (SMAD family member 4; plus strand). Cytogenetic location: 18q21.2.
Variant type: single nucleotide variant.
Coding change: c.848A>C on transcript NM_005359.6 (MANE Select); coding-DNA position 848, A replaced by C.
Protein change: p.His283Pro; replaces histidine 283 with proline.
Molecular consequence: missense variant. On other transcripts: non-coding transcript variant (2).
Genome position (GRCh38, 1-based): chr18:51,058,400, A>C. VCF-style: chr18-51058400-A-C. GRCh37 (hg19) VCF-style: chr18-48584770-A-C.
Other names: c.848A>C, p.His283Pro (NM_001407041.1, NM_001407042.1, NM_001407043.1); short protein forms H283P.
Identifiers: ClinVar variation 3238431 (VCV003238431.1), dbSNP rs1599189815.